The following is an entry in ClinVar:

NM_000834.5(GRIN2B):c.3648C>T (p.Arg1216=)

Gene: GRIN2B (glutamate ionotropic receptor NMDA type subunit 2B; minus strand). Cytogenetic location: 12p13.1.
Variant type: single nucleotide variant.
Coding change: c.3648C>T on transcript NM_000834.5 (MANE Select); coding-DNA position 3648, C replaced by T.
Protein change: p.Arg1216=; no amino-acid change (arginine 1216 retained).
Molecular consequence: synonymous variant.
Genome position (GRCh38, 1-based): chr12:13,563,590, G>A on the plus strand (C>T on the coding strand, the complement: GRIN2B is on the minus strand). VCF-style: chr12-13563590-G-A. GRCh37 (hg19) VCF-style: chr12-13716524-G-A.
Identifiers: ClinVar variation 98433 (VCV000098433.19), dbSNP rs201405157, ClinGen allele CA225819.

ClinVar aggregate classification (germline): Likely benign. Review status: criteria provided, multiple submitters, no conflicts (2 of 4 stars). 7 submissions from 7 submitters: Likely benign (6). 1 of the submissions does not count toward it. Last evaluated 2025-11-12.

Conditions:
GRIN2B-related disorder. Also called: GRIN2B-related condition.
Inborn genetic diseases. Identifiers: MedGen C0950123, MeSH D030342.
Intellectual developmental disorder, autosomal dominant 6, with or without seizures. Also called: Intellectual disability, autosomal dominant 6; GRIN2B-related developmental delay, intellectual disability and autism spectrum disorder. Identifiers: Orphanet 589547, MedGen C3151411, MONDO:0013509, OMIM 613970.
Developmental and epileptic encephalopathy, 27 (DEE27). Also called: Epileptic encephalopathy, early infantile, 27; GRIN2B-Related Neurodevelopmental Disorder. Identifiers: Orphanet 3451, MedGen C4015316, MONDO:0014505, OMIM 616139.

Allele frequency attached by ClinVar (database versions not stated): gnomAD exomes 0.00003 and 0.00004; ExAC 0.00007; ESP Exome Variant Server 0.00008; gnomAD 0.00016; TOPMed 0.00023; 1000 Genomes Project 30x 0.00031; 1000 Genomes Project 0.00040.
gnomAD v4.1: 67 of 1,614,094 alleles (0.0042%); highest among the groups gnomAD compares: African/African-American, 0.067%; no homozygotes.

Submissions (7):

Women's Health and Genetics/Laboratory Corporation of America, LabCorp
Classification: Likely benign. Last evaluated: 2025-11-12. Review status: criteria provided, single submitter. Criteria: LabCorp Variant Classification Summary - May 2015. Collection method: clinical testing. Allele origin: germline.

Labcorp Genetics (formerly Invitae), Labcorp
Classification: Likely benign for Developmental and epileptic encephalopathy, 27; Intellectual developmental disorder, autosomal dominant 6, with or without seizures. Last evaluated: 2025-10-20. Review status: criteria provided, single submitter. Criteria: Invitae Variant Classification Sherloc (09022015). Collection method: clinical testing. Allele origin: germline.

PreventionGenetics, part of Exact Sciences
Classification: Likely benign for GRIN2B-related condition. Last evaluated: 2024-12-16. Review status: criteria provided, single submitter. Criteria: ACMG Guidelines, 2015. Collection method: clinical testing. Allele origin: germline.
Comment: This variant is classified as likely benign based on ACMG/AMP sequence variant interpretation guidelines (Richards et al. 2015 PMID: 25741868, with internal and published modifications).

GeneDx
Classification: Likely benign. Last evaluated: 2021-02-26. Review status: criteria provided, single submitter. Criteria: GeneDx Variant Classification Process June 2021. Collection method: clinical testing. Allele origin: germline. Affected: yes.

Athena Diagnostics
Classification: Likely benign. Last evaluated: 2019-02-20. Review status: criteria provided, single submitter. Criteria: Athena Diagnostics Criteria. Collection method: clinical testing. Allele origin: germline.

Ambry Genetics
Classification: Likely benign for Inborn genetic diseases. Last evaluated: 2017-06-21. Review status: criteria provided, single submitter. Criteria: Ambry Variant Classification Scheme 2023. Collection method: clinical testing. Allele origin: germline.

Psychiatry Genetics Yale University
No classification provided. Review status: no classification provided. Collection method: not provided. Allele origin: not provided. Not counted in ClinVar's aggregate classification.